The following is an entry in ClinVar:

NM_006231.4(POLE):c.4676C>G (p.Thr1559Ser)

Gene: POLE (DNA polymerase epsilon, catalytic subunit; minus strand). Cytogenetic location: 12q24.33.
Variant type: single nucleotide variant.
Coding change: c.4676C>G on transcript NM_006231.4 (MANE Select); coding-DNA position 4676, C replaced by G.
Protein change: p.Thr1559Ser; replaces threonine 1559 with serine.
Molecular consequence: missense variant.
Genome position (GRCh38, 1-based): chr12:132,642,872, G>C on the plus strand (C>G on the coding strand, the complement: POLE is on the minus strand). VCF-style: chr12-132642872-G-C. GRCh37 (hg19) VCF-style: chr12-133219458-G-C.
Other names: short protein forms T1559S.
Identifiers: ClinVar variation 5027101 (VCV005027101.1).

ClinVar aggregate classification (germline): Uncertain significance (1 of 4 stars; one submission).

Conditions:
Hereditary cancer-predisposing syndrome. Also called: Neoplastic Syndromes, Hereditary; Tumor predisposition; Hereditary neoplastic syndrome; Hereditary Cancer Syndrome. Identifiers: Orphanet 140162, MedGen C0027672, MeSH D009386, MONDO:0015356.

gnomAD v4.1: 2 of 1,613,994 alleles (0.00012%); highest among the groups gnomAD compares: Non-Finnish European, 0.00017%; no homozygotes.

Submission:

Ambry Genetics
Classification: Uncertain significance for Hereditary cancer-predisposing syndrome. Last evaluated: 2026-07-29. Review status: criteria provided, single submitter. Criteria: Ambry Variant Classification Scheme 2023. Collection method: clinical testing. Allele origin: germline.
Comment: The p.T1559S variant (also known as c.4676C>G), located in coding exon 36 of the POLE gene, results from a C to G substitution at nucleotide position 4676. The threonine at codon 1559 is replaced by serine, an amino acid with similar properties. This amino acid position is conserved. In addition, this alteration is predicted to be tolerated by in silico analysis. Based on the available evidence, the clinical significance of this variant remains unclear.